The following is an entry in ClinVar:

ClinVar aggregate classification (germline): Likely pathogenic (1 of 4 stars; one submission).

Conditions:
Microcephaly, normal intelligence and immunodeficiency (NBS). Also called: SEEMANOVA SYNDROME II; Nijmegen breakage syndrome; Microcephaly with normal intelligence immunodeficiency and lymphoreticular malignancies; Nonsyndromal microcephaly autosomal recessive with normal intelligence; Seemanova syndrome 2; IMMUNODEFICIENCY, MICROCEPHALY, AND CHROMOSOMAL INSTABILITY. Identifiers: Orphanet 647, MedGen C0398791, MONDO:0009623, OMIM 251260.

Submission:

Labcorp Genetics (formerly Invitae), Labcorp
Classification: Likely pathogenic for Microcephaly, normal intelligence and immunodeficiency. Last evaluated: 2025-11-30. Review status: criteria provided, single submitter. Criteria: Invitae Variant Classification Sherloc (09022015). Collection method: clinical testing. Allele origin: germline.
Comment: This sequence change creates a premature translational stop signal (p.Asn731Thrfs*9) in the NBN gene. While this is not anticipated to result in nonsense mediated decay, it is expected to disrupt the last 24 amino acid(s) of the NBN protein. This variant is not present in population databases (gnomAD no frequency). This variant has not been reported in the literature in individuals affected with NBN-related conditions. Algorithms developed to predict the effect of sequence changes on RNA splicing suggest that this variant may disrupt the consensus splice site. This variant disrupts the ATM interaction domain of the NBN protein (PMID: 24894818, 21035407), which is important for activating ATM in the double-strand break repair pathway (PMID: 15964794, 15048089). While functional studies have not been performed to directly test the effect of this variant on NBN protein function, this suggests that disruption of this region of the protein is causative of disease. In summary, the currently available evidence indicates that the variant is pathogenic, but additional data are needed to prove that conclusively. Therefore, this variant has been classified as Likely Pathogenic.

Literature cited by the submitters: PubMed 24894818; PubMed 21035407; PubMed 15964794; PubMed 15048089.

NM_002485.5(NBN):c.2192_2196del (p.Asn731fs)

Gene: NBN (nibrin; minus strand). Cytogenetic location: 8q21.3.
Variant type: Deletion.
Coding change: c.2192_2196del on transcript NM_002485.5 (MANE Select); coding-DNA positions 2192 to 2196, 5 bases deleted (ATCAA; older notation c.2192_2196delATCAA).
Protein change: p.Asn731fs; shifts the reading frame from asparagine 731.
Molecular consequence: frameshift variant.
Genome position (GRCh38, 1-based): chr8:89,937,064-89,937,068, TTGAT deleted on the plus strand (ATCAA on the coding strand, the reverse complement: NBN is on the minus strand); deleting any 5 consecutive bases within chr8:89,937,064-89,937,070 gives the same sequence; the c. name uses the placement nearest the transcript's 3' end. VCF-style (leftmost placement, unchanged base first): chr8-89937063-GTTGAT-G. GRCh37 (hg19) VCF-style: chr8-90949291-GTTGAT-G.
Other names: c.1946_1950del, p.Asn649fs (NM_001024688.3, NM_001440379.1, NM_001440380.1); short protein forms N731fs, N649fs.
Identifiers: ClinVar variation 4732227 (VCV004732227.1).